The following is an entry in ClinVar:

ClinVar aggregate classification (germline): Uncertain significance (1 of 4 stars; one submission).

Conditions:
Breast-ovarian cancer, familial, susceptibility to, 4. Identifiers: Orphanet 145, MedGen C3280345, MONDO:0013669, OMIM 614291.

Submission:

Labcorp Genetics (formerly Invitae), Labcorp
Classification: Uncertain significance for Breast-ovarian cancer, familial, susceptibility to, 4. Last evaluated: 2023-04-11. Review status: criteria provided, single submitter. Criteria: Invitae Variant Classification Sherloc (09022015). Collection method: clinical testing. Allele origin: germline.
Comment: This sequence change replaces methionine, which is neutral and non-polar, with arginine, which is basic and polar, at codon 292 of the RAD51D protein (p.Met292Arg). This variant is not present in population databases (gnomAD no frequency). This variant has not been reported in the literature in individuals affected with RAD51D-related conditions. Advanced modeling of protein sequence and biophysical properties (such as structural, functional, and spatial information, amino acid conservation, physicochemical variation, residue mobility, and thermodynamic stability) performed at Invitae indicates that this missense variant is not expected to disrupt RAD51D protein function. In summary, the available evidence is currently insufficient to determine the role of this variant in disease. Therefore, it has been classified as a Variant of Uncertain Significance.

NM_002878.4(RAD51D):c.875T>G (p.Met292Arg)

Genes: RAD51L3-RFFL (RAD51L3-RFFL readthrough; minus strand), RAD51D (RAD51 paralog D; minus strand). Cytogenetic location: 17q12.
Variant type: single nucleotide variant.
Coding change: c.875T>G on transcript NM_002878.4 (MANE Select); coding-DNA position 875, T replaced by G.
Protein change: p.Met292Arg; replaces methionine 292 with arginine.
Molecular consequence: missense variant. On other transcripts: non-coding transcript variant (3).
Genome position (GRCh38, 1-based): chr17:35,101,229, A>C on the plus strand (T>G on the coding strand, the complement: RAD51D is on the minus strand). VCF-style: chr17-35101229-A-C. GRCh37 (hg19) VCF-style: chr17-33428248-A-C.
Other names: c.935T>G, p.Met312Arg (NM_001142571.2); c.539T>G, p.Met180Arg (NM_133629.3); short protein forms M312R, M180R, M292R.
Identifiers: ClinVar variation 2855027 (VCV002855027.3), dbSNP rs2142411132, ClinGen allele CA399086406.